The following is an entry in ClinVar:

ClinVar aggregate classification (germline): Uncertain significance (1 of 4 stars; one submission).

Conditions:
Orthostatic hypotension 1 (ORTHYP1). Also called: Orthostatic hypotension 1, due to DBH deficiency; Dopamine beta-hydroxylase deficiency; NORADRENALINE DEFICIENCY; NOREPINEPHRINE DEFICIENCY. Identifiers: Orphanet 230, MedGen C4746777, MONDO:0009123, OMIM 223360.

Allele frequency attached by ClinVar (database versions not stated): gnomAD exomes 0.00001; ExAC 0.00003; gnomAD 0.00005; TOPMed 0.00005.
gnomAD v4.1: 24 of 1,613,344 alleles (0.0015%); highest among the groups gnomAD compares: Middle Eastern, 0.016%; no homozygotes.

Submission:

Labcorp Genetics (formerly Invitae), Labcorp
Classification: Uncertain significance for Orthostatic hypotension 1. Last evaluated: 2023-11-27. Review status: criteria provided, single submitter. Criteria: Invitae Variant Classification Sherloc (09022015). Collection method: clinical testing. Allele origin: germline.
Comment: This sequence change replaces alanine, which is neutral and non-polar, with threonine, which is neutral and polar, at codon 270 of the DBH protein (p.Ala270Thr). This variant is present in population databases (rs766166337, gnomAD 0.01%). This variant has not been reported in the literature in individuals affected with DBH-related conditions. ClinVar contains an entry for this variant (Variation ID: 2085712). Advanced modeling of protein sequence and biophysical properties (such as structural, functional, and spatial information, amino acid conservation, physicochemical variation, residue mobility, and thermodynamic stability) performed at Invitae indicates that this missense variant is not expected to disrupt DBH protein function with a negative predictive value of 80%. In summary, the available evidence is currently insufficient to determine the role of this variant in disease. Therefore, it has been classified as a Variant of Uncertain Significance.

NM_000787.4(DBH):c.808G>A (p.Ala270Thr)

Gene: DBH (dopamine beta-hydroxylase; plus strand). Cytogenetic location: 9q34.2.
Variant type: single nucleotide variant.
Coding change: c.808G>A on transcript NM_000787.4 (MANE Select); coding-DNA position 808, G replaced by A.
Protein change: p.Ala270Thr; replaces alanine 270 with threonine.
Molecular consequence: missense variant.
Genome position (GRCh38, 1-based): chr9:133,643,476, G>A. VCF-style: chr9-133643476-G-A. GRCh37 (hg19) VCF-style: chr9-136508598-G-A.
Other names: short protein forms A270T.
Identifiers: ClinVar variation 2085712 (VCV002085712.2), dbSNP rs766166337, ClinGen allele CA5313202.